The following is an entry in ClinVar:

ClinVar aggregate classification (germline): Uncertain significance (1 of 4 stars; one submission).

Allele frequency attached by ClinVar (database versions not stated): TOPMed 0.00004; gnomAD 0.00005 and 0.00006; ExAC 0.00006; gnomAD exomes 0.00007.
gnomAD v4.1: 45 of 1,613,990 alleles (0.0028%); highest among the groups gnomAD compares: Non-Finnish European, 0.00034%; no homozygotes.

Submission:

Labcorp Genetics (formerly Invitae), Labcorp
Classification: Uncertain significance. Last evaluated: 2025-11-24. Review status: criteria provided, single submitter. Criteria: Invitae Variant Classification Sherloc (09022015). Collection method: clinical testing. Allele origin: germline.
Comment: This sequence change replaces proline, which is neutral and non-polar, with alanine, which is neutral and non-polar, at codon 143 of the TANGO2 protein (p.Pro143Ala). This variant is present in population databases (rs201760213, gnomAD 0.2%). This variant has not been reported in the literature in individuals affected with TANGO2-related conditions. ClinVar contains an entry for this variant (Variation ID: 1409256). An algorithm developed to predict the effect of missense changes on protein structure and function (PolyPhen-2) suggests that this variant is likely to be tolerated. In summary, the available evidence is currently insufficient to determine the role of this variant in disease. Therefore, it has been classified as a Variant of Uncertain Significance.

NM_152906.7(TANGO2):c.427C>G (p.Pro143Ala)

Gene: TANGO2 (transport and golgi organization 2 homolog; plus strand). Cytogenetic location: 22q11.21.
Variant type: single nucleotide variant.
Coding change: c.427C>G on transcript NM_152906.7 (MANE Select); coding-DNA position 427, C replaced by G.
Protein change: p.Pro143Ala; replaces proline 143 with alanine.
Molecular consequence: missense variant. On other transcripts: non-coding transcript variant (4), intron variant (11).
Genome position (GRCh38, 1-based): chr22:20,055,989, C>G. VCF-style: chr22-20055989-C-G. GRCh37 (hg19) VCF-style: chr22-20043512-C-G.
Other names: c.427C>G, p.Pro143Ala (NM_001283106.3, NM_001283116.3, NM_001283148.3 and 2 more transcripts); c.550C>G, p.Pro184Ala (NM_001283129.3, NM_001283215.3, NM_001322141.2 and 2 more transcripts); c.133C>G, p.Pro45Ala (NM_001283235.3, NM_001322150.2, NM_001322153.2 and 6 more transcripts); c.325C>G, p.Pro109Ala (NM_001322146.2, NM_001322148.2, NM_001322160.2); c.265+3405C>G (NM_001322163.2, NM_001283179.3, NM_001322167.2 and 4 more transcripts); c.388+3405C>G (NM_001322145.2, NM_001322147.2); c.380+2438C>G (NM_001283199.3); c.503+2438C>G (NM_001322149.2); short protein forms P184A, P45A, P143A, P109A.
Identifiers: ClinVar variation 1409256 (VCV001409256.4), dbSNP rs201760213, ClinGen allele CA10106355.